The following is an entry in ClinVar:

NM_000081.4(LYST):c.2147G>A (p.Cys716Tyr)

Gene: LYST (lysosomal trafficking regulator; minus strand). Cytogenetic location: 1q42.3.
Variant type: single nucleotide variant.
Coding change: c.2147G>A on transcript NM_000081.4 (MANE Select); coding-DNA position 2147, G replaced by A.
Protein change: p.Cys716Tyr; replaces cysteine 716 with tyrosine.
Molecular consequence: missense variant.
Genome position (GRCh38, 1-based): chr1:235,808,671, C>T on the plus strand (G>A on the coding strand, the complement: LYST is on the minus strand). VCF-style: chr1-235808671-C-T. GRCh37 (hg19) VCF-style: chr1-235971971-C-T.
Other names: c.2147G>A, p.Cys716Tyr (NM_001301365.1); c.2147G>A (NM_000081.2); short protein forms C716Y.
Identifiers: ClinVar variation 846580 (VCV000846580.12), dbSNP rs369676722, ClinGen allele CA1467350.
Genomic context (GRCh38, chr1:235,808,671, plus strand): 5'-TTAAATATGTAATTATATAATTTCCACTGAACAACTATATTGCCTTTCTGGATTAAATTG[C>T]AAATGTGATTTGCAATCTGTATACTATGTAATCTGTCTTCTTCAAAAACAAAGTTCTGAT-3'
Protein context (NP_000072.2, residues 706-726): LHSIQIANHI[Cys716Tyr]NLIQKGNIVV

ClinVar aggregate classification (germline): Uncertain significance. Review status: criteria provided, multiple submitters, no conflicts (2 of 4 stars). 4 submissions from 4 submitters: Uncertain significance (4). Last evaluated 2026-02-11.

Conditions:
Inborn genetic diseases. Identifiers: MedGen C0950123, MeSH D030342.
Chédiak-Higashi syndrome (CHS). Also called: Chediak-Higashi Syndrome. Identifiers: Orphanet 167, MedGen C0007965, MONDO:0008963, OMIM 214500.

Allele frequency attached by ClinVar (database versions not stated): gnomAD exomes 0.00001; ExAC 0.00004; ESP Exome Variant Server 0.00008; gnomAD 0.00011; TOPMed 0.00017.
gnomAD v4.1: 39 of 1,613,572 alleles (0.0024%); highest among the groups gnomAD compares: African/African-American, 0.049%; no homozygotes.

Submissions (4):

St. Jude Molecular Pathology, St. Jude Children's Research Hospital
Classification: Uncertain significance for Chédiak-Higashi syndrome. Last evaluated: 2026-02-11. Review status: criteria provided, single submitter. Criteria: St. Jude Assertion Criteria 2020. Collection method: clinical testing. Allele origin: germline.
Comment: The LYST c.2147G>A p.(Cys716Tyr) missense change has a maximum subpopulation frequency of 0.052% in gnomAD v2.1.1. The in silico tool REVEL predicts is inconclusive about a pathogenic or benign effect of this variant on protein function, and to our knowledge. To our knowledge, this variant has not been reported in individuals with ChÃƒ ©diak-Higashi syndrome. In summary, the evidence currently available is insufficient to determine the clinical significance of this variant. It has therefore been classified as of uncertain significance.

Ambry Genetics
Classification: Uncertain significance for Inborn genetic diseases. Last evaluated: 2023-08-15. Review status: criteria provided, single submitter. Criteria: Ambry Variant Classification Scheme 2023. Collection method: clinical testing. Allele origin: germline.

Labcorp Genetics (formerly Invitae), Labcorp
Classification: Uncertain significance for Chédiak-Higashi syndrome. Last evaluated: 2022-09-06. Review status: criteria provided, single submitter. Criteria: Invitae Variant Classification Sherloc (09022015). Collection method: clinical testing. Allele origin: germline.
Comment: This sequence change replaces cysteine, which is neutral and slightly polar, with tyrosine, which is neutral and polar, at codon 716 of the LYST protein (p.Cys716Tyr). This variant is present in population databases (rs369676722, gnomAD 0.05%). This variant has not been reported in the literature in individuals affected with LYST-related conditions. ClinVar contains an entry for this variant (Variation ID: 846580). Algorithms developed to predict the effect of missense changes on protein structure and function are either unavailable or do not agree on the potential impact of this missense change (SIFT: "Deleterious"; PolyPhen-2: "Possibly Damaging"; Align-GVGD: "Class C0"). In summary, the available evidence is currently insufficient to determine the role of this variant in disease. Therefore, it has been classified as a Variant of Uncertain Significance.

Revvity Omics, Revvity
Classification: Uncertain significance for Chédiak-Higashi syndrome. Last evaluated: 2019-05-30. Review status: criteria provided, single submitter. Criteria: ACMG Guidelines, 2015. Collection method: clinical testing. Allele origin: germline.